The following is an entry in ClinVar:

ClinVar aggregate classification (germline): Uncertain significance (1 of 4 stars; one submission).

gnomAD v4.1: 6 of 1,604,958 alleles (0.00037%); highest among the groups gnomAD compares: Non-Finnish European, 0.00051%; no homozygotes.

Submission:

GeneDx
Classification: Uncertain significance. Last evaluated: 2023-07-17. Review status: criteria provided, single submitter. Criteria: GeneDx Variant Classification Process June 2021. Collection method: clinical testing. Allele origin: germline. Affected: yes.
Comment: Not observed at significant frequency in large population cohorts (gnomAD); In silico analysis supports that this missense variant has a deleterious effect on protein structure/function; Has not been previously published as pathogenic or benign to our knowledge; Variants in candidate genes are classified as variants of uncertain significance in accordance with ACMG guidelines (Richards et al., 2015)

NM_001003699.4(RREB1):c.2117A>G (p.Tyr706Cys)

Gene: RREB1 (ras responsive element binding protein 1; plus strand). Cytogenetic location: 6p24.3.
Variant type: single nucleotide variant.
Coding change: c.2117A>G on transcript NM_001003699.4 (MANE Select); coding-DNA position 2117, A replaced by G.
Protein change: p.Tyr706Cys; replaces tyrosine 706 with cysteine.
Molecular consequence: missense variant.
Genome position (GRCh38, 1-based): chr6:7,230,216, A>G. VCF-style: chr6-7230216-A-G. GRCh37 (hg19) VCF-style: chr6-7230449-A-G.
Other names: c.2117A>G, p.Tyr706Cys (NM_001003698.4, NM_001003700.2, NM_001168344.2); short protein forms Y706C.
Identifiers: ClinVar variation 4055804 (VCV004055804.1).